The following is an entry in ClinVar:

NM_152564.5(VPS13B):c.11757C>T (p.Val3919=)

Gene: VPS13B (vacuolar protein sorting 13 homolog B; plus strand). Cytogenetic location: 8q22.2.
Variant type: single nucleotide variant.
Coding change: c.11757C>T on transcript NM_152564.5 (MANE Select); coding-DNA position 11757, C replaced by T.
Protein change: p.Val3919=; no amino-acid change (valine 3919 retained).
Molecular consequence: synonymous variant.
Genome position (GRCh38, 1-based): chr8:99,875,429, C>T. VCF-style: chr8-99875429-C-T. GRCh37 (hg19) VCF-style: chr8-100887657-C-T.
Other names: c.11832C>T, p.Val3944= (NM_017890.5).
Identifiers: ClinVar variation 1093443 (VCV001093443.25), dbSNP rs757616720, ClinGen allele CA4825338.
Genomic context (GRCh38, chr8:99,875,429, plus strand): 5'-AACTCTCGTAAGGGTCTGGCAACTAATCTTTATTATTTTTGGATCCTAGGTAGATGGAGT[C>T]CGAGAGAGACTGTCAGAGCAACAGTACAACAGACTGGTGGACTACATCACAAAGACATCT-3'
Protein context (NP_689777.3, residues 3909-3929): RVACDVEVDG[Val3919=]RERLSEQQYN

ClinVar aggregate classification (germline): Likely benign. Review status: criteria provided, multiple submitters, no conflicts (2 of 4 stars). 2 submissions from 2 submitters: Likely benign (2). Last evaluated 2024-08-01.

Conditions:
Cohen syndrome (COH1). Also called: Cutis verticis gyrata, retinitis pigmentosa, and sensorineural deafness; PEPPER SYNDROME. Identifiers: Orphanet 193, MedGen C0265223, MONDO:0008999, OMIM 216550.

Allele frequency attached by ClinVar (database versions not stated): gnomAD exomes 0.00001 and 0.00002; ExAC 0.00003.
gnomAD v4.1: 15 of 1,614,084 alleles (0.00093%); highest among the groups gnomAD compares: South Asian, 0.014%; no homozygotes.

Submissions (2):

CeGaT Center for Human Genetics Tuebingen
Classification: Likely benign. Last evaluated: 2024-08-01. Review status: criteria provided, single submitter. Criteria: CeGaT Center For Human Genetics Tuebingen Variant Classification Criteria Version 2. Collection method: clinical testing. Allele origin: germline. Affected: yes. Observed: 1 variant allele.
Comment: VPS13B: BP4, BP7

Labcorp Genetics (formerly Invitae), Labcorp
Classification: Likely benign for Cohen syndrome. Last evaluated: 2023-09-06. Review status: criteria provided, single submitter. Criteria: Invitae Variant Classification Sherloc (09022015). Collection method: clinical testing. Allele origin: germline.